The following is an entry in ClinVar:

ClinVar aggregate classification (germline): Uncertain significance (1 of 4 stars; one submission).

Conditions:
Atrioventricular septal defect 4 (AVSD4). Identifiers: MedGen C3280781, MONDO:0013747, OMIM 614430.

Submission:

Labcorp Genetics (formerly Invitae), Labcorp
Classification: Uncertain significance for Atrioventricular septal defect 4. Last evaluated: 2024-11-12. Review status: criteria provided, single submitter. Criteria: Invitae Variant Classification Sherloc (09022015). Collection method: clinical testing. Allele origin: germline.
Comment: This sequence change replaces serine, which is neutral and polar, with threonine, which is neutral and polar, at codon 356 of the GATA4 protein (p.Ser356Thr). This variant is not present in population databases (gnomAD no frequency). This variant has not been reported in the literature in individuals affected with GATA4-related conditions. Invitae Evidence Modeling of protein sequence and biophysical properties (such as structural, functional, and spatial information, amino acid conservation, physicochemical variation, residue mobility, and thermodynamic stability) indicates that this missense variant is not expected to disrupt GATA4 protein function with a negative predictive value of 95%. In summary, the available evidence is currently insufficient to determine the role of this variant in disease. Therefore, it has been classified as a Variant of Uncertain Significance.

NM_001308093.3(GATA4):c.1070G>C (p.Ser357Thr)

Gene: GATA4 (GATA binding protein 4). Cytogenetic location: 8p23.1.
Variant type: single nucleotide variant.
Coding change: c.1070G>C on transcript NM_001308093.3 (MANE Select); coding-DNA position 1070, G replaced by C.
Protein change: p.Ser357Thr; replaces serine 357 with threonine.
Molecular consequence: missense variant.
Genome position (GRCh38, 1-based): chr8:11,757,004, G>C. VCF-style: chr8-11757004-G-C. GRCh37 (hg19) VCF-style: chr8-11614513-G-C.
Other names: c.449G>C, p.Ser150Thr (NM_001308094.2, NM_001374273.1); c.323G>C, p.Ser108Thr (NM_001374274.1); c.1067G>C, p.Ser356Thr (NM_002052.5); short protein forms S150T, S108T, S357T, S356T.
Identifiers: ClinVar variation 3672711 (VCV003672711.2).
Genomic context (GRCh38, chr8:11,757,004, plus strand): 5'-GCAGTGAGAGCCTTCCTCCCGCCAGCGGTGCTTCCAGCAACTCCAGCAACGCCACCACCA[G>C]CAGCAGCGAGGAGATGCGTCCCATCAAGACGGAGCCTGGCCTGTCATCTCACTACGGGCA-3'
Protein context (NP_001295022.1, residues 347-367): ASSNSSNATT[Ser357Thr]SSEEMRPIKT